The following is an entry in ClinVar:

ClinVar aggregate classification (germline): Uncertain significance (1 of 4 stars; one submission).

Submission:

GeneDx
Classification: Uncertain significance. Last evaluated: 2019-04-30. Review status: criteria provided, single submitter. Criteria: GeneDx Variant Classification Process June 2021. Collection method: clinical testing. Allele origin: germline. Affected: yes.
Comment: Not observed in large population cohorts (Lek et al., 2016); Frameshift variant predicted to result in protein extension as the last 34 amino acids are lost and replaced with 126 incorrect amino acids; Has not been previously published as pathogenic or benign to our knowledge

NM_013275.6(ANKRD11):c.7867_7888dup (p.Glu2630fs)

Gene: ANKRD11 (ankyrin repeat domain containing 11; minus strand). Cytogenetic location: 16q24.3.
Variant type: Duplication.
Coding change: c.7867_7888dup on transcript NM_013275.6 (MANE Select); coding-DNA positions 7867 to 7888, 22 bases duplicated (GAGTGGCAGCTGAAGGTGCAGG).
Protein change: p.Glu2630fs; shifts the reading frame from glutamic acid 2630.
Molecular consequence: frameshift variant.
Genome position (GRCh38, 1-based): chr16:89,268,582-89,268,603, CCTGCACCTTCAGCTGCCACTC duplicated on the plus strand (GAGTGGCAGCTGAAGGTGCAGG on the coding strand, the reverse complement: ANKRD11 is on the minus strand); duplicating any 22 consecutive bases within chr16:89,268,582-89,268,604 gives the same sequence; the c. name uses the placement nearest the transcript's 3' end. VCF-style (leftmost placement, unchanged base first): chr16-89268581-T-TCCTGCACCTTCAGCTGCCACTC. GRCh37 (hg19) VCF-style: chr16-89334989-T-TCCTGCACCTTCAGCTGCCACTC.
Other names: c.7867_7888dup, p.Glu2630fs (NM_001256182.2, NM_001256183.2); short protein forms E2630fs.
Identifiers: ClinVar variation 1305479 (VCV001305479.2), dbSNP rs2151660815, ClinGen allele CA2573054292.